The following is an entry in ClinVar:

ClinVar aggregate classification (germline): Conflicting classifications of pathogenicity. Review status: criteria provided, conflicting classifications (1 of 4 stars). 5 submissions from 5 submitters: Uncertain significance (3); Likely benign (2). Last evaluated 2026-01-17.

Conditions:
MUTYH-related disorder. Also called: MUTYH-related disorders; MUTYH-related condition.
Hereditary cancer-predisposing syndrome. Also called: Tumor predisposition; Hereditary neoplastic syndrome; Neoplastic Syndromes, Hereditary; Hereditary Cancer Syndrome. Identifiers: Orphanet 140162, MedGen C0027672, MeSH D009386, MONDO:0015356.
Familial adenomatous polyposis 2. Also called: Adenomas, multiple colorectal; MUTYH Polyposis; COLORECTAL ADENOMATOUS POLYPOSIS, AUTOSOMAL RECESSIVE; ADENOMAS, MULTIPLE COLORECTAL, AUTOSOMAL RECESSIVE; MYH-associated polyposis; MUTYH-associated polyposis. Identifiers: Orphanet 220460, Orphanet 247798, MedGen C3272841, MONDO:0012041, OMIM 608456.

Allele frequency attached by ClinVar (database versions not stated): gnomAD exomes below 0.00001; TOPMed 0.00001.
gnomAD v4.1: 1 of 1,614,232 alleles (0.000062%); highest among the groups gnomAD compares: Non-Finnish European, 0.000085%; no homozygotes.

Submissions (5):

Labcorp Genetics (formerly Invitae), Labcorp
Classification: Likely benign for Familial adenomatous polyposis 2. Last evaluated: 2026-01-17. Review status: criteria provided, single submitter. Criteria: Invitae Variant Classification Sherloc (09022015). Collection method: clinical testing. Allele origin: germline.

Ambry Genetics
Classification: Uncertain significance for Hereditary cancer-predisposing syndrome. Last evaluated: 2025-09-11. Review status: criteria provided, single submitter. Criteria: Ambry Variant Classification Scheme 2023. Collection method: clinical testing. Allele origin: germline.
Comment: The c.349-5G>A intronic variant results from a G to A substitution 5 nucleotides upstream from coding exon 4 in the MUTYH gene. This nucleotide position is not well conserved in available vertebrate species. In silico splice site analysis predicts that this alteration will not have any significant effect on splicing; however, direct evidence is insufficient at this time (Ambry internal data). Based on the available evidence, the clinical significance of this variant remains unclear.

PreventionGenetics, part of Exact Sciences
Classification: Uncertain significance for MUTYH-related condition. Last evaluated: 2025-08-12. Review status: criteria provided, single submitter. Criteria: ACMG Guidelines, 2015. Collection method: clinical testing. Allele origin: germline.
Comment: The MUTYH c.349-5G>A variant is predicted to interfere with splicing. To our knowledge, this variant has not been reported in the literature. This variant is reported in 0.0% of alleles in individuals of African descent in gnomAD. This variant has interpretations ranging from likely benign to uncertain significance in ClinVar (Variation ID: 464713). Although we suspect that this variant may be benign, at this time, the clinical significance of this variant is uncertain due to the absence of conclusive functional and genetic evidence.

Blueprint Genetics
Classification: Likely benign. Last evaluated: 2024-05-02. Review status: criteria provided, single submitter. Criteria: ACMG Guidelines, 2015. Collection method: clinical testing. Allele origin: germline.

Color Diagnostics, LLC DBA Color Health
Classification: Uncertain significance for Hereditary cancer-predisposing syndrome. Last evaluated: 2019-06-30. Review status: criteria provided, single submitter. Criteria: ACMG Guidelines, 2015. Collection method: clinical testing. Allele origin: germline.

NM_001048174.2(MUTYH):c.265-5G>A

Gene: MUTYH (mutY DNA glycosylase; minus strand). Cytogenetic location: 1p34.1.
Variant type: single nucleotide variant.
Coding change: c.265-5G>A on transcript NM_001048174.2 (MANE Select); 5 bases into the intron before coding-DNA position 265, G replaced by A.
Molecular consequence: intron variant.
Genome position (GRCh38, 1-based): chr1:45,333,329, C>T on the plus strand (G>A on the coding strand, the complement: MUTYH is on the minus strand). VCF-style: chr1-45333329-C-T. GRCh37 (hg19) VCF-style: chr1-45799001-C-T.
Other names: c.-7-5G>A (NM_001350651.2, NM_001350650.2); c.-12-5G>A (NM_001293192.2, NM_001293196.2); c.265-5G>A (NM_001048171.2, NM_001048173.2, NM_001293195.2); c.310-5G>A (NM_001293190.2); c.340-5G>A (NM_012222.3); c.349-5G>A (NM_001128425.2); c.268-5G>A (NM_001048172.2); c.298-5G>A (NM_001293191.2).
Identifiers: ClinVar variation 464713 (VCV000464713.22), dbSNP rs1003387951, ClinGen allele CA21839521.